The following is an entry in ClinVar:

ClinVar aggregate classification (germline): Uncertain significance (1 of 4 stars; one submission).

Conditions:
Early-infantile DEE. Also called: Early infantile epileptic encephalopathy with suppression bursts; Early infantile epileptic encephalopathy; Ohtahara syndrome. Identifiers: Orphanet 1934, MedGen C0393706, MONDO:0800491.

Submission:

Labcorp Genetics (formerly Invitae), Labcorp
Classification: Uncertain significance for Early-infantile DEE. Last evaluated: 2023-07-10. Review status: criteria provided, single submitter. Criteria: Invitae Variant Classification Sherloc (09022015). Collection method: clinical testing. Allele origin: germline.
Comment: This sequence change replaces serine, which is neutral and polar, with phenylalanine, which is neutral and non-polar, at codon 708 of the SCN1A protein (p.Ser708Phe). This variant is not present in population databases (gnomAD no frequency). This variant has not been reported in the literature in individuals affected with SCN1A-related conditions. ClinVar contains an entry for this variant (Variation ID: 1719109). Advanced modeling of protein sequence and biophysical properties (such as structural, functional, and spatial information, amino acid conservation, physicochemical variation, residue mobility, and thermodynamic stability) performed at Invitae indicates that this missense variant is not expected to disrupt SCN1A protein function. In summary, the available evidence is currently insufficient to determine the role of this variant in disease. Therefore, it has been classified as a Variant of Uncertain Significance.

NM_001165963.4(SCN1A):c.2123C>T (p.Ser708Phe)

Gene: SCN1A (sodium voltage-gated channel alpha subunit 1; minus strand). Cytogenetic location: 2q24.3.
Variant type: single nucleotide variant.
Coding change: c.2123C>T on transcript NM_001165963.4 (MANE Select); coding-DNA position 2123, C replaced by T.
Protein change: p.Ser708Phe; replaces serine 708 with phenylalanine.
Molecular consequence: missense variant. On other transcripts: 5 prime UTR variant (1), non-coding transcript variant (1).
Genome position (GRCh38, 1-based): chr2:166,042,345, G>A on the plus strand (C>T on the coding strand, the complement: SCN1A is on the minus strand). VCF-style: chr2-166042345-G-A. GRCh37 (hg19) VCF-style: chr2-166898855-G-A.
Other names: c.2039C>T, p.Ser680Phe (NM_001165964.3, NM_001353957.2, NM_001353958.2); c.2123C>T, p.Ser708Phe (NM_001202435.3, NM_001353948.2); c.2090C>T, p.Ser697Phe (NM_001353949.2, NM_001353950.2, NM_001353951.2 and 2 more transcripts); c.2087C>T, p.Ser696Phe (NM_001353954.2, NM_001353955.2); c.2036C>T, p.Ser679Phe (NM_001353960.2); c.-336C>T (NM_001353961.2); short protein forms S679F, S680F, S696F, S697F, S708F.
Identifiers: ClinVar variation 1719109 (VCV001719109.5), dbSNP rs2468141157, ClinGen allele CA349065821.